The following is an entry in ClinVar:

NM_005732.4(RAD50):c.2599A>G (p.Thr867Ala)

Gene: RAD50 (RAD50 double strand break repair protein; plus strand). Cytogenetic location: 5q31.1.
Variant type: single nucleotide variant.
Coding change: c.2599A>G on transcript NM_005732.4 (MANE Select); coding-DNA position 2599, A replaced by G.
Protein change: p.Thr867Ala; replaces threonine 867 with alanine.
Molecular consequence: missense variant.
Genome position (GRCh38, 1-based): chr5:132,604,880, A>G. VCF-style: chr5-132604880-A-G. GRCh37 (hg19) VCF-style: chr5-131940572-A-G.
Other names: short protein forms T867A.
Identifiers: ClinVar variation 408386 (VCV000408386.12), dbSNP rs753186320, ClinGen allele CA3405432.

ClinVar aggregate classification (germline): Uncertain significance. Review status: criteria provided, multiple submitters, no conflicts (2 of 4 stars). 2 submissions from 2 submitters: Uncertain significance (2). Last evaluated 2023-10-19.

Conditions:
Hereditary cancer-predisposing syndrome. Also called: Hereditary Cancer Syndrome; Hereditary neoplastic syndrome; Neoplastic Syndromes, Hereditary; Tumor predisposition. Identifiers: Orphanet 140162, MedGen C0027672, MeSH D009386, MONDO:0015356.

Allele frequency attached by ClinVar (database versions not stated): TOPMed below 0.00001; gnomAD 0.00001; gnomAD exomes 0.00001 and 0.00003; ExAC 0.00004.
gnomAD v4.1: 15 of 1,613,698 alleles (0.00093%); highest among the groups gnomAD compares: Non-Finnish European, 0.0011%; no homozygotes.

Submissions (2):

Ambry Genetics
Classification: Uncertain significance for Hereditary cancer-predisposing syndrome. Last evaluated: 2023-10-19. Review status: criteria provided, single submitter. Criteria: Ambry Variant Classification Scheme 2023. Collection method: clinical testing. Allele origin: germline.
Comment: The p.T867A variant (also known as c.2599A>G), located in coding exon 16 of the RAD50 gene, results from an A to G substitution at nucleotide position 2599. The threonine at codon 867 is replaced by alanine, an amino acid with similar properties. This amino acid position is poorly conserved in available vertebrate species. In addition, this alteration is predicted to be tolerated by in silico analysis. Since supporting evidence is limited at this time, the clinical significance of this alteration remains unclear.

Labcorp Genetics (formerly Invitae), Labcorp
Classification: Uncertain significance for Hereditary cancer-predisposing syndrome. Last evaluated: 2023-07-28. Review status: criteria provided, single submitter. Criteria: Invitae Variant Classification Sherloc (09022015). Collection method: clinical testing. Allele origin: germline.
Comment: In summary, the available evidence is currently insufficient to determine the role of this variant in disease. Therefore, it has been classified as a Variant of Uncertain Significance. Advanced modeling of protein sequence and biophysical properties (such as structural, functional, and spatial information, amino acid conservation, physicochemical variation, residue mobility, and thermodynamic stability) performed at Invitae indicates that this missense variant is not expected to disrupt RAD50 protein function. ClinVar contains an entry for this variant (Variation ID: 408386). This variant has not been reported in the literature in individuals affected with RAD50-related conditions. This variant is present in population databases (rs753186320, gnomAD 0.006%). This sequence change replaces threonine, which is neutral and polar, with alanine, which is neutral and non-polar, at codon 867 of the RAD50 protein (p.Thr867Ala).